The following is an entry in ClinVar:

NM_001376.5(DYNC1H1):c.9179G>A (p.Arg3060His)

Genes: DYNC1H1 (dynein cytoplasmic 1 heavy chain 1; plus strand), LOC126862060 (BRD4-independent group 4 enhancer GRCh37_chr14:102493659-102494858; plus strand). Cytogenetic location: 14q32.31.
Variant type: single nucleotide variant.
Coding change: c.9179G>A on transcript NM_001376.5 (MANE Select); coding-DNA position 9179, G replaced by A.
Protein change: p.Arg3060His; replaces arginine 3060 with histidine.
Molecular consequence: missense variant.
Genome position (GRCh38, 1-based): chr14:102,027,749, G>A. VCF-style: chr14-102027749-G-A. GRCh37 (hg19) VCF-style: chr14-102494086-G-A.
Other names: short protein forms R3060H.
Identifiers: ClinVar variation 1415308 (VCV001415308.8), dbSNP rs1408182872, ClinGen allele CA391011366.

ClinVar aggregate classification (germline): Uncertain significance (1 of 4 stars; one submission).

Conditions:
Charcot-Marie-Tooth disease axonal type 2O. Also called: Charcot-Marie-Tooth Neuropathy Type 2O; CHARCOT-MARIE-TOOTH NEUROPATHY, AXONAL, TYPE 2O; CHARCOT-MARIE-TOOTH DISEASE, AXONAL, AUTOSOMAL DOMINANT, TYPE 2O; Charcot-Marie-Tooth disease, axonal, type 20. Identifiers: Orphanet 284232, MedGen C3280220, MONDO:0013644, OMIM 614228.

Allele frequency attached by ClinVar (database versions not stated): TOPMed below 0.00001; gnomAD exomes 0.00001.
gnomAD v4.1: 13 of 1,614,136 alleles (0.00081%); highest among the groups gnomAD compares: Admixed American, 0.0017%; no homozygotes.

Submission:

Labcorp Genetics (formerly Invitae), Labcorp
Classification: Uncertain significance for Charcot-Marie-Tooth disease axonal type 2O. Last evaluated: 2025-07-21. Review status: criteria provided, single submitter. Criteria: Invitae Variant Classification Sherloc (09022015). Collection method: clinical testing. Allele origin: germline.
Comment: This sequence change replaces arginine, which is basic and polar, with histidine, which is basic and polar, at codon 3060 of the DYNC1H1 protein (p.Arg3060His). This variant is present in population databases (no rsID available, gnomAD 0.006%). This missense change has been observed in individual(s) with clinical features of DYNC1H1-related conditions (internal data). ClinVar contains an entry for this variant (Variation ID: 1415308). Invitae Evidence Modeling of protein sequence and biophysical properties (such as structural, functional, and spatial information, amino acid conservation, physicochemical variation, residue mobility, and thermodynamic stability) indicates that this missense variant is expected to disrupt DYNC1H1 protein function with a positive predictive value of 95%. This variant disrupts the p.Arg3060 amino acid residue in DYNC1H1. Other variant(s) that disrupt this residue have been observed in individuals with DYNC1H1-related conditions (internal data), which suggests that this may be a clinically significant amino acid residue. In summary, the available evidence is currently insufficient to determine the role of this variant in disease. Therefore, it has been classified as a Variant of Uncertain Significance.